The following is an entry in ClinVar:

ClinVar aggregate classification (germline): Uncertain significance. Review status: criteria provided, multiple submitters, no conflicts (2 of 4 stars). 3 submissions from 3 submitters: Uncertain significance (3). Last evaluated 2025-08-10.

Conditions:
Inborn genetic diseases. Identifiers: MedGen C0950123, MeSH D030342.

Allele frequency attached by ClinVar (database versions not stated): gnomAD exomes below 0.00001.
gnomAD v4.1: 2 of 1,614,156 alleles (0.00012%); highest among the groups gnomAD compares: Non-Finnish European, 0.00017%; no homozygotes.

Submissions (3):

GeneDx
Classification: Uncertain significance. Last evaluated: 2025-08-10. Review status: criteria provided, single submitter. Criteria: GeneDx Variant Classification Process June 2021. Collection method: clinical testing. Allele origin: germline. Affected: yes.
Comment: Not observed at significant frequency in large population cohorts (gnomAD); In silico analysis suggests that this missense variant does not alter protein structure/function; Has not been previously published as pathogenic or benign to our knowledge

Ambry Genetics
Classification: Uncertain significance for Inborn genetic diseases. Last evaluated: 2024-12-02. Review status: criteria provided, single submitter. Criteria: Ambry Variant Classification Scheme 2023. Collection method: clinical testing. Allele origin: germline.
Comment: The p.K1732N variant (also known as c.5196A>T), located in coding exon 20 of the FANCM gene, results from an A to T substitution at nucleotide position 5196. The lysine at codon 1732 is replaced by asparagine, an amino acid with similar properties. This amino acid position is conserved. In addition, this alteration is predicted to be tolerated by in silico analysis. Based on the available evidence, the clinical significance of this variant remains unclear.

Genetic Services Laboratory, University of Chicago
Classification: Uncertain significance. Last evaluated: 2021-12-02. Review status: criteria provided, single submitter. Criteria: ACMG Guidelines, 2015. Collection method: clinical testing. Allele origin: germline. Affected: no.
Comment: DNA sequence analysis of the FANCM gene demonstrated a sequence change, c.5196A>T, in exon 20 that results in an amino acid change, p.Lys1732Asn. This sequence change does not appear to have been previously described in individuals with FANCM-related disorders and has also not been described in the population databases such as ExAC and gnomAD. The p.Lys1732Asn change affects a poorly conserved amino acid residue located in a domain of the FANCM protein that is not known to be functional. The p.Lys1732Asn substitution appears to be benign using several in-silico pathogenicity prediction tools (SIFT, PolyPhen2, Align GVGD, REVEL). Due to insufficient evidence and the lack of functional studies, the clinical significance of the p.Lys1732Asn change remains unknown at this time.

NM_020937.4(FANCM):c.5196A>T (p.Lys1732Asn)

Gene: FANCM (FA complementation group M; plus strand). Cytogenetic location: 14q21.2.
Variant type: single nucleotide variant.
Coding change: c.5196A>T on transcript NM_020937.4 (MANE Select); coding-DNA position 5196, A replaced by T.
Protein change: p.Lys1732Asn; replaces lysine 1732 with asparagine.
Molecular consequence: missense variant.
Genome position (GRCh38, 1-based): chr14:45,189,218, A>T. VCF-style: chr14-45189218-A-T. GRCh37 (hg19) VCF-style: chr14-45658421-A-T.
Other names: c.5196A>T (NM_020937.2); c.5118A>T, p.Lys1706Asn (NM_001308133.2); short protein forms K1706N, K1732N.
Identifiers: ClinVar variation 1338175 (VCV001338175.6), dbSNP rs2139297724, ClinGen allele CA389612903.